The following is an entry in ClinVar:

NM_017947.4(MOCOS):c.408G>C (p.Gln136His)

Gene: MOCOS (molybdenum cofactor sulfurase; plus strand). Cytogenetic location: 18q12.2.
Variant type: single nucleotide variant.
Coding change: c.408G>C on transcript NM_017947.4 (MANE Select); coding-DNA position 408, G replaced by C.
Protein change: p.Gln136His; replaces glutamine 136 with histidine.
Molecular consequence: missense variant.
Genome position (GRCh38, 1-based): chr18:36,199,791, G>C. VCF-style: chr18-36199791-G-C. GRCh37 (hg19) VCF-style: chr18-33779754-G-C.
Other names: short protein forms Q136H.
Identifiers: ClinVar variation 1448444 (VCV001448444.8), dbSNP rs372495692, ClinGen allele CA8940426.

ClinVar aggregate classification (germline): Uncertain significance (1 of 4 stars; one submission).

Conditions:
Xanthinuria type II. Also called: Xanthine dehydrogenase and aldehyde oxidase combined deficiency of; XDH and AOX dual deficiency. Identifiers: Orphanet 3467, Orphanet 93602, MedGen C1863688, MONDO:0011346, OMIM 603592.

Allele frequency attached by ClinVar (database versions not stated): gnomAD 0.00003; gnomAD exomes 0.00003 and 0.00004; ExAC 0.00005; TOPMed 0.00005; ESP Exome Variant Server 0.00008.
gnomAD v4.1: 42 of 1,614,042 alleles (0.0026%); highest among the groups gnomAD compares: Admixed American, 0.01%; no homozygotes.

Submission:

Labcorp Genetics (formerly Invitae), Labcorp
Classification: Uncertain significance for Xanthinuria type II. Last evaluated: 2020-12-29. Review status: criteria provided, single submitter. Criteria: Invitae Variant Classification Sherloc (09022015). Collection method: clinical testing. Allele origin: germline.
Comment: This variant has not been reported in the literature in individuals with MOCOS-related conditions. In summary, the available evidence is currently insufficient to determine the role of this variant in disease. Therefore, it has been classified as a Variant of Uncertain Significance. Algorithms developed to predict the effect of missense changes on protein structure and function (SIFT, PolyPhen-2, Align-GVGD) all suggest that this variant is likely to be tolerated, but these predictions have not been confirmed by published functional studies and their clinical significance is uncertain. This variant is present in population databases (rs372495692, ExAC 0.02%). This sequence change replaces glutamine with histidine at codon 136 of the MOCOS protein (p.Gln136His). The glutamine residue is weakly conserved and there is a small physicochemical difference between glutamine and histidine.